The following is an entry in ClinVar:

ClinVar aggregate classification (germline): Uncertain significance (1 of 4 stars; one submission).

Conditions:
Joubert syndrome. Also called: CEREBELLOPARENCHYMAL DISORDER IV; JOUBERT-BOLTSHAUSER SYNDROME; Familial aplasia of the vermis. Identifiers: Orphanet 475, MedGen C5979921, MONDO:0018772.
Orofaciodigital syndrome I (OFD1). Also called: OFDS I; Papillon-Leage and Psaume Syndrome; Oral-Facial-Digital Syndrome Type I. Identifiers: Orphanet 2750, MedGen C1510460, MONDO:0010702, OMIM 311200.

gnomAD v4.1: 1 of 1,210,906 alleles (0.000083%); highest among the groups gnomAD compares: Non-Finnish European, 0.00011%; no homozygotes.

Submission:

Labcorp Genetics (formerly Invitae), Labcorp
Classification: Uncertain significance for Orofaciodigital syndrome I; Joubert syndrome. Last evaluated: 2024-09-08. Review status: criteria provided, single submitter. Criteria: Invitae Variant Classification Sherloc (09022015). Collection method: clinical testing. Allele origin: germline.
Comment: This sequence change replaces valine, which is neutral and non-polar, with isoleucine, which is neutral and non-polar, at codon 787 of the OFD1 protein (p.Val787Ile). This variant is not present in population databases (gnomAD no frequency). This variant has not been reported in the literature in individuals affected with OFD1-related conditions. Invitae Evidence Modeling of protein sequence and biophysical properties (such as structural, functional, and spatial information, amino acid conservation, physicochemical variation, residue mobility, and thermodynamic stability) indicates that this missense variant is not expected to disrupt OFD1 protein function with a negative predictive value of 80%. In summary, the available evidence is currently insufficient to determine the role of this variant in disease. Therefore, it has been classified as a Variant of Uncertain Significance.

NM_003611.3(OFD1):c.2359G>A (p.Val787Ile)

Gene: OFD1 (OFD1 centriole and centriolar satellite protein; plus strand). Cytogenetic location: Xp22.2.
Variant type: single nucleotide variant.
Coding change: c.2359G>A on transcript NM_003611.3 (MANE Select); coding-DNA position 2359, G replaced by A.
Protein change: p.Val787Ile; replaces valine 787 with isoleucine.
Molecular consequence: missense variant.
Genome position (GRCh38, 1-based): chrX:13,761,183, G>A. VCF-style: chrX-13761183-G-A. GRCh37 (hg19) VCF-style: chrX-13779302-G-A.
Other names: c.2239G>A, p.Val747Ile (NM_001330209.2); c.1939G>A, p.Val647Ile (NM_001330210.2); short protein forms V647I, V747I, V787I.
Identifiers: ClinVar variation 3757345 (VCV003757345.2).